The following is an entry in ClinVar:

NM_170754.4(TNS2):c.1455G>C (p.Gln485His)

Gene: TNS2 (tensin 2; plus strand). Cytogenetic location: 12q13.13.
Variant type: single nucleotide variant.
Coding change: c.1455G>C on transcript NM_170754.4 (MANE Select); coding-DNA position 1455, G replaced by C.
Protein change: p.Gln485His; replaces glutamine 485 with histidine.
Molecular consequence: missense variant.
Genome position (GRCh38, 1-based): chr12:53,059,096, G>C. VCF-style: chr12-53059096-G-C. GRCh37 (hg19) VCF-style: chr12-53452880-G-C.
Other names: c.1455G>C, p.Gln485His (NM_001416202.1); c.1413G>C, p.Gln471His (NM_001416203.1); c.1482G>C, p.Gln494His (NM_001416204.1); c.1386G>C, p.Gln462His (NM_015319.3); c.1083G>C, p.Gln361His (NM_198316.2); short protein forms Q494H, Q361H, Q471H, Q462H, Q485H.
Identifiers: ClinVar variation 4597861 (VCV004597861.2).

ClinVar aggregate classification (germline): Uncertain significance. Review status: criteria provided, multiple submitters, no conflicts (2 of 4 stars). 2 submissions from 2 submitters: Uncertain significance (2). Last evaluated 2025-10-15.

gnomAD v4.1: 148 of 1,548,170 alleles (0.0096%); highest among the groups gnomAD compares: South Asian, 0.18%; 3 homozygotes.

Submissions (2):

Ambry Genetics
Classification: Uncertain significance. Last evaluated: 2025-10-15. Review status: criteria provided, single submitter. Criteria: Ambry Variant Classification Scheme 2023. Collection method: clinical testing. Allele origin: germline.

Labcorp Genetics (formerly Invitae), Labcorp
Classification: Uncertain significance. Last evaluated: 2025-05-06. Review status: criteria provided, single submitter. Criteria: Invitae Variant Classification Sherloc (09022015). Collection method: clinical testing. Allele origin: germline.
Comment: This sequence change replaces glutamine, which is neutral and polar, with histidine, which is basic and polar, at codon 495 of the TNS2 protein (p.Gln495His). This variant is present in population databases (rs540303515, gnomAD 0.2%), and has an allele count higher than expected for a pathogenic variant. This variant has not been reported in the literature in individuals affected with TNS2-related conditions. An algorithm developed to predict the effect of missense changes on protein structure and function (PolyPhen-2) suggests that this variant is likely to be disruptive. In summary, the available evidence is currently insufficient to determine the role of this variant in disease. Therefore, it has been classified as a Variant of Uncertain Significance.